The following is an entry in ClinVar:

NM_004655.4(AXIN2):c.1060-10C>T

Gene: AXIN2 (axin 2; minus strand). Cytogenetic location: 17q24.1.
Variant type: single nucleotide variant.
Coding change: c.1060-10C>T on transcript NM_004655.4 (MANE Select); 10 bases into the intron before coding-DNA position 1060, C replaced by T.
Molecular consequence: intron variant.
Genome position (GRCh38, 1-based): chr17:65,538,353, G>A on the plus strand (C>T on the coding strand, the complement: AXIN2 is on the minus strand). VCF-style: chr17-65538353-G-A. GRCh37 (hg19) VCF-style: chr17-63534471-G-A.
Other names: c.1060-10C>T (NM_001363813.1, LRG_296t1).
Identifiers: ClinVar variation 379799 (VCV000379799.17), dbSNP rs376505336, ClinGen allele CA8718867.
Genomic context (GRCh38, chr17:65,538,353, plus strand): 5'-AAAGGTGGCGGGTTCCACGGGGGTCATCTCCTTGGGCAGGCGGTGGGTTCTCTACAGGAC[G>A]TGGAAAGGAAAGGGAGGAGGCACGTTCAGCAGGCTAGGTGGGCGGTGGCTTGGCCGGAGC-3'

ClinVar aggregate classification (germline): Likely benign. Review status: criteria provided, multiple submitters, no conflicts (2 of 4 stars). 5 submissions from 5 submitters: Likely benign (5). Last evaluated 2025-12-15.

Conditions:
AXIN2-related disorder.
Hereditary cancer-predisposing syndrome. Also called: Neoplastic Syndromes, Hereditary; Tumor predisposition; Hereditary Cancer Syndrome; Hereditary neoplastic syndrome. Identifiers: Orphanet 140162, MedGen C0027672, MeSH D009386, MONDO:0015356.
Oligodontia-cancer predisposition syndrome. Also called: TOOTH AGENESIS-COLORECTAL CANCER SYNDROME. Identifiers: Orphanet 300576, MedGen C1837750, MONDO:0012075, OMIM 608615. Disease mechanism: loss of function.

Allele frequency attached by ClinVar (database versions not stated): gnomAD exomes 0.00002 and 0.00004; ExAC 0.00003; TOPMed 0.00003; gnomAD 0.00004 and 0.00005; ESP Exome Variant Server 0.00008.
gnomAD v4.1: 33 of 1,613,942 alleles (0.002%); highest among the groups gnomAD compares: Admixed American, 0.0033%; no homozygotes.

Submissions (5):

Labcorp Genetics (formerly Invitae), Labcorp
Classification: Likely benign for Oligodontia-cancer predisposition syndrome. Last evaluated: 2025-12-15. Review status: criteria provided, single submitter. Criteria: Invitae Variant Classification Sherloc (09022015). Collection method: clinical testing. Allele origin: germline.

PreventionGenetics, part of Exact Sciences
Classification: Likely benign for AXIN2-related condition. Last evaluated: 2025-10-31. Review status: criteria provided, single submitter. Criteria: ACMG Guidelines, 2015. Collection method: clinical testing. Allele origin: germline.
Comment: This variant is classified as likely benign based on ACMG/AMP sequence variant interpretation guidelines (Richards et al. 2015 PMID: 25741868, with internal and published modifications).

Myriad Genetics, Inc.
Classification: Likely benign for Oligodontia-cancer predisposition syndrome. Last evaluated: 2024-07-01. Review status: criteria provided, single submitter. Criteria: Myriad Autosomal Dominant, Autosomal Recessive and X-Linked Classification Criteria (2023). Collection method: clinical testing. Allele origin: unknown.
Comment: This variant is considered likely benign. This variant is intronic and is not expected to impact mRNA splicing.

Sema4
Classification: Likely benign for Hereditary cancer-predisposing syndrome. Last evaluated: 2021-02-17. Review status: criteria provided, single submitter. Criteria: Sema4 Curation Guidelines. Collection method: curation. Allele origin: germline.

GeneDx
Classification: Likely benign. Last evaluated: 2020-12-07. Review status: criteria provided, single submitter. Criteria: GeneDx Variant Classification Process June 2021. Collection method: clinical testing. Allele origin: germline. Affected: yes.